The following is an entry in ClinVar:

NM_003119.4(SPG7):c.9G>T (p.Val3=)

Genes: SPG7 (SPG7 matrix AAA peptidase subunit, paraplegin; plus strand), LOC130059818 (ATAC-STARR-seq lymphoblastoid silent region 7911; plus strand). Cytogenetic location: 16q24.3.
Variant type: single nucleotide variant.
Coding change: c.9G>T on transcript NM_003119.4 (MANE Select); coding-DNA position 9, G replaced by T.
Protein change: p.Val3=; no amino-acid change (valine 3 retained).
Molecular consequence: synonymous variant.
Genome position (GRCh38, 1-based): chr16:89,508,426, G>T. VCF-style: chr16-89508426-G-T. GRCh37 (hg19) VCF-style: chr16-89574834-G-T.
Other names: p.V3V:GTG>GTT; p.Val3=; c.9G>T, p.Val3= (NM_001363850.1, NM_199367.3).
Identifiers: ClinVar variation 139252 (VCV000139252.26), dbSNP rs553241838, ClinGen allele CA293680.

ClinVar aggregate classification (germline): Benign/Likely benign. Review status: criteria provided, multiple submitters, no conflicts (2 of 4 stars). 9 submissions from 9 submitters: Benign (4); Likely benign (3). 2 of the submissions do not count toward it. Last evaluated 2026-01-28.

Conditions:
Hereditary spastic paraplegia. Also called: Familial spastic paraparesis. Identifiers: Orphanet 685, MedGen C0037773, MONDO:0019064. Disease mechanism: loss of function.
Hereditary spastic paraplegia 7 (SPG7). Also called: Spastic paraplegia 7; Hereditary spastic paraplegia Paraplegin type; SPASTIC PARAPLEGIA 7, AUTOSOMAL RECESSIVE, WITH OR WITHOUT CEREBELLAR ATAXIA; SPG7-related neurologic disorder; Autosomal recessive spastic paraplegia type 7. Identifiers: Orphanet 99013, MedGen C1846564, MONDO:0011803, OMIM 607259.

Allele frequency attached by ClinVar (database versions not stated): TOPMed 0.01334; ExAC 0.00049; gnomAD exomes 0.00116; 1000 Genomes Project 0.01018; 1000 Genomes Project 30x 0.00984; gnomAD 0.01156 and 0.01255.
gnomAD v4.1: 3,125 of 1,480,564 alleles (0.21%); highest among the groups gnomAD compares: African/African-American, 3.9%; 61 homozygotes.

Submissions (9):

Labcorp Genetics (formerly Invitae), Labcorp
Classification: Likely benign for Hereditary spastic paraplegia 7. Last evaluated: 2026-01-28. Review status: criteria provided, single submitter. Criteria: Invitae Variant Classification Sherloc (09022015). Collection method: clinical testing. Allele origin: germline.

Athena Diagnostics
Classification: Benign. Last evaluated: 2025-10-07. Review status: criteria provided, single submitter. Criteria: Athena Diagnostics Criteria. Collection method: clinical testing. Allele origin: unknown.
Comment: The frequency of this variant in the general population is higher than would generally be expected for pathogenic variants in this gene. Computational tools yielded predictions that this variant is unlikely to have an effect on normal RNA splicing.

Mayo Clinic Laboratories, Mayo Clinic
Classification: Benign. Last evaluated: 2021-12-21. Review status: criteria provided, single submitter. Criteria: ACMG Guidelines, 2015. Collection method: clinical testing. Allele origin: germline. Observed: 19 variant alleles.

Genome Diagnostics Laboratory, The Hospital for Sick Children
Classification: Benign for Hereditary spastic paraplegia. Last evaluated: 2020-12-23. Review status: criteria provided, single submitter. Criteria: ACMG Guidelines, 2015. Collection method: clinical testing. Allele origin: germline. Affected: yes.

Illumina Laboratory Services, Illumina
Classification: Likely benign for Hereditary spastic paraplegia 7. Last evaluated: 2018-01-13. Review status: criteria provided, single submitter. Criteria: ICSL Variant Classification Criteria 13 December 2019. Collection method: clinical testing. Allele origin: germline.
Comment: This variant was observed in the ICSL laboratory as part of a predisposition screen in an ostensibly healthy population. It had not been previously curated by ICSL or reported in the Human Gene Mutation Database (HGMD: prior to June 1st, 2018), and was therefore a candidate for classification through an automated scoring system. Utilizing variant allele frequency, disease prevalence and penetrance estimates, and inheritance mode, an automated score was calculated to assess if this variant is too frequent to cause the disease. Based on the score and internal cut-off values, a variant classified as likely benign is not then subjected to further curation. The score for this variant resulted in a classification of likely benign for this disease.

GeneDx
Classification: Benign. Last evaluated: 2013-04-16. Review status: criteria provided, single submitter. Criteria: GeneDx Variant Classification (06012015). Collection method: clinical testing. Allele origin: germline. Affected: yes.
Comment: This variant is considered likely benign or benign based on one or more of the following criteria: it is a conservative change, it occurs at a poorly conserved position in the protein, it is predicted to be benign by multiple in silico algorithms, and/or has population frequency not consistent with disease.

Breakthrough Genomics
Classification: Likely benign. Review status: criteria provided, single submitter. Criteria: ACMG Guidelines, 2015. Collection method: not provided. Allele origin: germline. Inheritance: Autosomal recessive inheritance. Affected: yes.

Diagnostic Laboratory, Department of Genetics, University Medical Center Groningen
Classification: Likely benign. Review status: no assertion criteria provided. Collection method: clinical testing. Allele origin: germline. Affected: yes. Study: VKGL Data-share Consensus. Not counted in ClinVar's aggregate classification.

Joint Genome Diagnostic Labs from Nijmegen and Maastricht, Radboudumc and MUMC+
Classification: Benign. Review status: no assertion criteria provided. Collection method: clinical testing. Allele origin: germline. Affected: yes. Study: VKGL Data-share Consensus. Not counted in ClinVar's aggregate classification.

Literature cited by the submitters: PubMed 16534102 (cited by Athena Diagnostics).